The following is an entry in ClinVar:

ClinVar aggregate classification (germline): Uncertain significance. Review status: criteria provided, multiple submitters, no conflicts (2 of 4 stars). 2 submissions from 2 submitters: Uncertain significance (2). Last evaluated 2024-04-30.

Conditions:
Hereditary cancer-predisposing syndrome. Also called: Hereditary Cancer Syndrome; Tumor predisposition; Neoplastic Syndromes, Hereditary; Hereditary neoplastic syndrome. Identifiers: Orphanet 140162, MedGen C0027672, MeSH D009386, MONDO:0015356.

Submissions (2):

Ambry Genetics
Classification: Uncertain significance for Hereditary cancer-predisposing syndrome. Last evaluated: 2024-04-30. Review status: criteria provided, single submitter. Criteria: Ambry Variant Classification Scheme 2023. Collection method: clinical testing. Allele origin: germline.
Comment: The p.A1614S variant (also known as c.4840G>T), located in coding exon 37 of the POLE gene, results from a G to T substitution at nucleotide position 4840. The alanine at codon 1614 is replaced by serine, an amino acid with similar properties. This amino acid position is conserved. In addition, this alteration is predicted to be tolerated by in silico analysis. Based on the available evidence, the clinical significance of this variant remains unclear.

Labcorp Genetics (formerly Invitae), Labcorp
Classification: Uncertain significance. Last evaluated: 2022-10-16. Review status: criteria provided, single submitter. Criteria: Invitae Variant Classification Sherloc (09022015). Collection method: clinical testing. Allele origin: germline.
Comment: In summary, the available evidence is currently insufficient to determine the role of this variant in disease. Therefore, it has been classified as a Variant of Uncertain Significance. Advanced modeling of protein sequence and biophysical properties (such as structural, functional, and spatial information, amino acid conservation, physicochemical variation, residue mobility, and thermodynamic stability) performed at Invitae indicates that this missense variant is not expected to disrupt POLE protein function. This variant has not been reported in the literature in individuals affected with POLE-related conditions. This variant is not present in population databases (gnomAD no frequency). This sequence change replaces alanine, which is neutral and non-polar, with serine, which is neutral and polar, at codon 1614 of the POLE protein (p.Ala1614Ser).

NM_006231.4(POLE):c.4840G>T (p.Ala1614Ser)

Gene: POLE (DNA polymerase epsilon, catalytic subunit; minus strand). Cytogenetic location: 12q24.33.
Variant type: single nucleotide variant.
Coding change: c.4840G>T on transcript NM_006231.4 (MANE Select); coding-DNA position 4840, G replaced by T.
Protein change: p.Ala1614Ser; replaces alanine 1614 with serine.
Molecular consequence: missense variant.
Genome position (GRCh38, 1-based): chr12:132,642,618, C>A on the plus strand (G>T on the coding strand, the complement: POLE is on the minus strand). VCF-style: chr12-132642618-C-A. GRCh37 (hg19) VCF-style: chr12-133219204-C-A.
Other names: c.4840G>T (NM_006231.2); short protein forms A1614S.
Identifiers: ClinVar variation 2105104 (VCV002105104.5), dbSNP rs2138535358, ClinGen allele CA387378214.